The following is an entry in ClinVar:

NM_014780.5(CUL7):c.2988G>A (p.Trp996Ter)

Gene: CUL7 (cullin 7; minus strand). Cytogenetic location: 6p21.1.
Variant type: single nucleotide variant.
Coding change: c.2988G>A on transcript NM_014780.5 (MANE Select); coding-DNA position 2988, G replaced by A.
Protein change: p.Trp996Ter; replaces tryptophan 996 with a stop codon.
Molecular consequence: nonsense.
Genome position (GRCh38, 1-based): chr6:43,045,277, C>T on the plus strand (G>A on the coding strand, the complement: CUL7 is on the minus strand). VCF-style: chr6-43045277-C-T. GRCh37 (hg19) VCF-style: chr6-43013015-C-T.
Other names: c.3084G>A, p.Trp1028Ter (NM_001168370.2, NM_001374872.1); c.2988G>A, p.Trp996Ter (NM_001374873.1, NM_001374874.1); short protein forms W996*, W1028*.
Identifiers: ClinVar variation 828132 (VCV000828132.3), dbSNP rs1581930130, ClinGen allele CA364208599.
Genomic context (GRCh38, chr6:43,045,277, plus strand): 5'-TCTCACACACCTAGAACTCAGGTGCAGGAGGCTCCTGCGGTCCTCTGCCATGTCCTGGCT[C>T]CAGGCCTGTGCCCGAACCATGTAGAAGAGGCGTGTGTGACGACAGAGCTGCTCCCGGAAC-3'

ClinVar aggregate classification (germline): Pathogenic. Review status: criteria provided, multiple submitters, no conflicts (2 of 4 stars). 3 submissions from 3 submitters: Pathogenic (2). 1 of the submissions does not count toward it. Last evaluated 2024-01-26.

Conditions:
3M syndrome 1. Also called: 3-M Syndrome, CUL7-Related. Identifiers: Orphanet 2616, MedGen C2678312, MONDO:0010117, OMIM 273750.

Submissions (3):

GeneDx
Classification: Pathogenic. Last evaluated: 2024-01-26. Review status: criteria provided, single submitter. Criteria: GeneDx Variant Classification Process June 2021. Collection method: clinical testing. Allele origin: germline. Affected: yes.
Comment: Nonsense variant predicted to result in protein truncation or nonsense mediated decay in a gene for which loss of function is a known mechanism of disease; Not observed at significant frequency in large population cohorts (gnomAD); This variant is associated with the following publications: (PMID: 28870985, 31130284, 34136918, 22325252, 29620724)

Baylor Genetics
Classification: Pathogenic for 3M syndrome 1. Last evaluated: 2020-02-21. Review status: criteria provided, single submitter. Criteria: ACMG Guidelines, 2015. Collection method: clinical testing. Allele origin: unknown. Affected: yes.
Comment: This variant was determined to be pathogenic according to ACMG Guidelines, 2015 [PMID:25741868].

Biochemical Molecular Genetic Laboratory, King Abdulaziz Medical City
Classification: Pathogenic for 3M syndrome 1. Last evaluated: 2020-02-05. Review status: no assertion criteria provided. Collection method: clinical testing. Allele origin: germline. Affected: yes. Not counted in ClinVar's aggregate classification.